The following is an entry in ClinVar:

NM_000038.6(APC):c.2648C>T (p.Thr883Ile)

Gene: APC (APC regulator of Wnt signaling pathway; plus strand). Cytogenetic location: 5q22.2.
Variant type: single nucleotide variant.
Coding change: c.2648C>T on transcript NM_000038.6 (MANE Select); coding-DNA position 2648, C replaced by T.
Protein change: p.Thr883Ile; replaces threonine 883 with isoleucine.
Molecular consequence: missense variant. On other transcripts: non-coding transcript variant (2).
Genome position (GRCh38, 1-based): chr5:112,838,242, C>T. VCF-style: chr5-112838242-C-T. GRCh37 (hg19) VCF-style: chr5-112173939-C-T.
Other names: c.2648C>T, p.Thr883Ile (NM_001127510.3, NM_001354895.2, NM_001407450.1); c.2594C>T, p.Thr865Ile (NM_001127511.3); c.2702C>T, p.Thr901Ile (NM_001354896.2, NM_001407449.1, NM_001407447.1 and 1 more transcripts); c.2678C>T, p.Thr893Ile (NM_001354897.2); c.2573C>T, p.Thr858Ile (NM_001354898.2); c.2564C>T, p.Thr855Ile (NM_001354899.2); c.2627C>T, p.Thr876Ile (NM_001407451.1); c.2618C>T, p.Thr873Ile (NM_001407452.1); and 11 more; short protein forms T499I, T600I, T723I, T754I, T757I, T782I, T792I, T800I.
Identifiers: ClinVar variation 4755635 (VCV004755635.1).
Genomic context (GRCh38, chr5:112,838,242, plus strand): 5'-ACCATCCAGCAACAGAAAATCCAGGAACTTCTTCAAAGCGAGGTTTGCAGATCTCCACCA[C>T]TGCAGCCCAGATTGCCAAAGTCATGGAAGAAGTGTCAGCCATTCATACCTCTCAGGAAGA-3'
Protein context (NP_000029.2, residues 873-893): SSKRGLQIST[Thr883Ile]AAQIAKVMEE

ClinVar aggregate classification (germline): Uncertain significance (1 of 4 stars; one submission).

Submission:

GeneDx
Classification: Uncertain significance. Last evaluated: 2025-08-07. Review status: criteria provided, single submitter. Criteria: GeneDx Variant Classification Process June 2021. Collection method: clinical testing. Allele origin: germline. Affected: yes.
Comment: Not observed at significant frequency in large population cohorts (gnomAD); In silico analysis suggests that this missense variant does not alter protein structure/function; Has not been previously published as pathogenic or benign to our knowledge